The following is an entry in ClinVar:

NM_198129.4(LAMA3):c.9027-1G>A

Gene: LAMA3 (laminin subunit alpha 3; plus strand). Cytogenetic location: 18q11.2.
Variant type: single nucleotide variant.
Coding change: c.9027-1G>A on transcript NM_198129.4 (MANE Select); the canonical splice acceptor site of the intron before coding-DNA position 9027, G replaced by A.
Molecular consequence: splice acceptor variant.
Genome position (GRCh38, 1-based): chr18:23,943,787, G>A. VCF-style: chr18-23943787-G-A. GRCh37 (hg19) VCF-style: chr18-21523751-G-A.
Other names: c.8859-1G>A (NM_001127717.4); c.4200-1G>A (NM_000227.6); c.4032-1G>A (NM_001127718.4).
Identifiers: ClinVar variation 2115701 (VCV002115701.4), dbSNP rs2511636548, ClinGen allele CA402049284.
Genomic context (GRCh38, chr18:23,943,787, plus strand): 5'-GCTGAGATTCGAAGGAACGCTGAACACCTCTATTTCCCTTCATCGCCGATGTTCCCAACA[G>A]GTCACAGTTTGCTGTGGACATGCAGACAACATCCTCCAGAGGACTGGTGTTTCACACGGG-3'

ClinVar aggregate classification (germline): Likely pathogenic (1 of 4 stars; one submission).

Submission:

Labcorp Genetics (formerly Invitae), Labcorp
Classification: Likely pathogenic. Last evaluated: 2022-04-06. Review status: criteria provided, single submitter. Criteria: Invitae Variant Classification Sherloc (09022015). Collection method: clinical testing. Allele origin: germline.
Comment: In summary, the currently available evidence indicates that the variant is pathogenic, but additional data are needed to prove that conclusively. Therefore, this variant has been classified as Likely Pathogenic. Algorithms developed to predict the effect of sequence changes on RNA splicing suggest that this variant may disrupt the consensus splice site. This variant has not been reported in the literature in individuals affected with LAMA3-related conditions. This variant is not present in population databases (gnomAD no frequency). This sequence change affects an acceptor splice site in intron 31 of the LAMA3 gene. It is expected to disrupt RNA splicing. Variants that disrupt the donor or acceptor splice site typically lead to a loss of protein function (PMID: 16199547), and loss-of-function variants in LAMA3 are known to be pathogenic (PMID: 10366601, 11810295, 12915477, 16473856, 17362460, 22434185, 23869449, 27827380, 28087116).

Literature cited by the submitters: PubMed 16199547; PubMed 10366601; PubMed 11810295; PubMed 12915477; PubMed 16473856; PubMed 17362460; PubMed 22434185; PubMed 23869449; PubMed 27827380; PubMed 28087116.